The following is an entry in ClinVar:

NM_000408.5(GPD2):c.1262TTG[1] (p.Val422del)

Gene: GPD2 (glycerol-3-phosphate dehydrogenase 2; plus strand). Cytogenetic location: 2q24.1.
Variant type: Microsatellite.
Coding change: c.1262TTG[1] on transcript NM_000408.5 (MANE Select); one copy of the 3-base unit TTG starting at c.1262; the reference has two copies in a row; one copy, 3 bases deleted; also written c.1265_1267del.
Protein change: p.Val422del; deletes valine 422.
Molecular consequence: inframe deletion.
Genome position (GRCh38, 1-based): chr2:156,568,924-156,568,926, TTG deleted; deleting any 3 consecutive bases within chr2:156,568,919-156,568,926 gives the same sequence; the position shown is the placement nearest the transcript's 3' end. VCF-style (leftmost placement, unchanged base first): chr2-156568918-ATGT-A. GRCh37 (hg19) VCF-style: chr2-157425430-ATGT-A.
Other names: c.1265_1267del (NM_000408.5); c.1262TTG[1], p.Val422del (NM_001083112.3); short protein forms V422del.
Identifiers: ClinVar variation 5006104 (VCV005006104.2).

ClinVar aggregate classification (germline): Uncertain significance (1 of 4 stars; one submission).

Conditions:
Type 2 diabetes mellitus. Also called: Type II diabetes mellitus. Identifiers: MedGen C0011860, MeSH D003924, MONDO:0005148, OMIM 125853, HP:0005978.

Submission:

Juno Genomics, Hangzhou Juno Genomics, Inc
Classification: Uncertain significance for Type 2 diabetes mellitus. Review status: criteria provided, single submitter. Criteria: ACMG Guidelines, 2015. Collection method: clinical testing. Allele origin: germline.
Comment: Absent from controls (or at extremely low frequency if recessive) in Genome Aggregation Database.;Protein length changes due to in-frame deletions/insertions in a non-repeat region or stop-loss variants.